The following is an entry in ClinVar:

NM_198253.3(TERT):c.2080G>A (p.Val694Met)

Gene: TERT (telomerase reverse transcriptase; minus strand). Cytogenetic location: 5p15.33.
Variant type: single nucleotide variant.
Coding change: c.2080G>A on transcript NM_198253.3 (MANE Select); coding-DNA position 2080, G replaced by A.
Protein change: p.Val694Met; replaces valine 694 with methionine.
Molecular consequence: missense variant. On other transcripts: non-coding transcript variant (2).
Genome position (GRCh38, 1-based): chr5:1,279,341, C>T on the plus strand (G>A on the coding strand, the complement: TERT is on the minus strand). VCF-style: chr5-1279341-C-T. GRCh37 (hg19) VCF-style: chr5-1279456-C-T.
Other names: c.2080G>A, p.Val694Met (NM_001193376.3); short protein forms V694M.
Identifiers: ClinVar variation 12731 (VCV000012731.43), dbSNP rs121918662, ClinGen allele CA122657.

ClinVar aggregate classification (germline): Conflicting classifications of pathogenicity. Review status: criteria provided, conflicting classifications (1 of 4 stars). 8 submissions from 8 submitters: Likely pathogenic (4); Uncertain significance (1). 3 of the submissions do not count toward it. Last evaluated 2026-01-29.

Conditions:
Pulmonary fibrosis. Identifiers: MedGen C0034069, MONDO:0002771, HP:0002206.
Dyskeratosis congenita. Identifiers: Orphanet 1775, MedGen C0265965, MONDO:0015780.
Idiopathic Pulmonary Fibrosis. Also called: Idiopathic fibrosing alveolitis, chronic form; idiopathic fibrosing alveolitis. Identifiers: Orphanet 2032, MedGen C1800706, MeSH D054990, MONDO:0800504.
Dyskeratosis congenita, autosomal dominant 2. Identifiers: MedGen C3151443, MONDO:0013521, OMIM 613989.
Pulmonary fibrosis and/or bone marrow failure, Telomere-related, 1. Also called: PULMONARY FIBROSIS AND/OR BONE MARROW FAILURE SYNDROME, TELOMERE-RELATED, 1. Identifiers: Orphanet 88, MedGen C3553617, MONDO:0013878, OMIM 614742.
TERT-related disorder. Also called: TERT-related condition; TERT-related disorders.
Aplastic anemia. Identifiers: Orphanet 182040, Orphanet 88, MedGen C0002874, MONDO:0015909, OMIM 609135, HP:0001915.

Allele frequency attached by ClinVar (database versions not stated): gnomAD exomes below 0.00001; gnomAD 0.00001; TOPMed 0.00001.
gnomAD v4.1: 6 of 1,584,256 alleles (0.00038%); highest among the groups gnomAD compares: Non-Finnish European, 0.00051%; no homozygotes.

Submissions (8):

Women's Health and Genetics/Laboratory Corporation of America, LabCorp
Classification: Likely pathogenic for Dyskeratosis congenita. Last evaluated: 2026-01-29. Review status: criteria provided, single submitter. Criteria: LabCorp Variant Classification Summary - May 2015. Collection method: clinical testing. Allele origin: germline.
Comment: Variant summary: TERT c.2080G>A (p.Val694Met) results in a conservative amino acid change in the encoded protein sequence. Algorithms developed to predict the effect of missense changes on protein structure and function are either unavailable or do not agree on the potential impact of this missense change. The variant was absent in 195902 control chromosomes (gnomAD). c.2080G>A has been observed in individuals affected with clinical features of TERT-related conditions (Yamaguchi_2005, Cronkhite_2008, Zhang_2022, Maillet_2024, internal data). These data indicate that the variant may be associated with disease. At least one publication reports experimental evidence evaluating an impact on protein function and this variant affects TERT protein function (Yamaguchi_2005, Cronkhite_2008, Zaug_2013). The following publications have been ascertained in the context of this evaluation (PMID: 15814878, 18635888, 23901009, 36028256, 39279213). ClinVar contains an entry for this variant (Variation ID: 12731). Based on the evidence outlined above, the variant was classified as likely pathogenic.

Labcorp Genetics (formerly Invitae), Labcorp
Classification: Likely pathogenic for Dyskeratosis congenita, autosomal dominant 2; Idiopathic Pulmonary Fibrosis. Last evaluated: 2025-03-18. Review status: criteria provided, single submitter. Criteria: Invitae Variant Classification Sherloc (09022015). Collection method: clinical testing. Allele origin: germline.
Comment: This sequence change replaces valine, which is neutral and non-polar, with methionine, which is neutral and non-polar, at codon 694 of the TERT protein (p.Val694Met). This variant is not present in population databases (gnomAD no frequency). This missense change has been observed in individuals with clinical features of TERT-related conditions (PMID: 15814878, 18635888; internal data). ClinVar contains an entry for this variant (Variation ID: 12731). Invitae Evidence Modeling of protein sequence and biophysical properties (such as structural, functional, and spatial information, amino acid conservation, physicochemical variation, residue mobility, and thermodynamic stability) indicates that this missense variant is expected to disrupt TERT protein function with a positive predictive value of 95%. Experimental studies have shown that this missense change affects TERT function (PMID: 15814878, 23901009). In summary, the currently available evidence indicates that the variant is pathogenic, but additional data are needed to prove that conclusively. Therefore, this variant has been classified as Likely Pathogenic.

GeneDx
Classification: Likely pathogenic. Last evaluated: 2024-06-28. Review status: criteria provided, single submitter. Criteria: GeneDx Variant Classification Process June 2021. Collection method: clinical testing. Allele origin: germline.
Comment: In silico analysis indicates that this missense variant does not alter protein structure/function; Not observed at significant frequency in large population cohorts (gnomAD); This variant is associated with the following publications: (PMID: 16990594, 25906514, 20502709, 23618685, 23538340, 16207588, 17825470, 20044353, 23901009, 25244922, 19636400, 19760749, 15814878, 18635888, 23716176, 20301779, 34019641, 31943309, 36496180, 38641551)

PreventionGenetics, part of Exact Sciences
Classification: Uncertain significance for TERT-related condition. Last evaluated: 2022-12-28. Review status: criteria provided, single submitter. Criteria: ACMG Guidelines, 2015. Collection method: clinical testing. Allele origin: germline.
Comment: The TERT c.2080G>A variant is predicted to result in the amino acid substitution p.Val694Met. This variant was reported in an individual with aplastic anemia and shortened telomeres and a family history of myelodysplastic syndrome (Yamaguchi et al. 2005. PubMed ID: 15814878). This variant has also been reported in an individual with a personal and family history of pulmonary fibrosis (Cronkhite et al. 2008. PubMed ID: 18635888). Functional studies found this variant resulted in decreased telomerase activity; however, studies disagreed as to the extent of the decrease ranging from <1% to ~40% compared to wild type (Yamaguchi et al. 2005. PubMed ID: 15814878; Zaug et al. 2013. PubMed ID: 23901009). This variant has not been reported in a large population database, indicating this variant is rare. Although we suspect that this variant may be pathogenic, at this time, the clinical significance of this variant is uncertain due to the absence of conclusive functional and genetic evidence.

Ambry Genetics
Classification: Likely pathogenic for Dyskeratosis congenita. Last evaluated: 2016-05-04. Review status: criteria provided, single submitter. Criteria: Ambry Variant Classification Scheme 2023. Collection method: clinical testing. Allele origin: germline.
Comment: The p.V694M variant (also known as c.2080G>A), located in coding exon 5 of the TERT gene, results from a G to A substitution at nucleotide position 2080. The valine at codon 694 is replaced by methionine, an amino acid with highly similar properties. This alteration has also been observed in an individual with idiopathic pulmonary fibrosis (Cronkhite JT et al. Am. J. Respir. Crit. Care Med. 2008; 178:729-37). Functional studies have found this variant to cause a reduction in telomerase activity when compared to wild type; however, processivity was not affected or increased when compared to wild type (Xie M et al. Nucleic Acids Res. 2010; 38:1982-96, 5:e10680, Zaug AJ et al. Nucleic Acids Res. 2013; 41:8969-78). This variant was previously reported in the SNPDatabase as rs121918662. This amino acid position is well conserved in available vertebrate species. In addition, this alteration is predicted to be deleterious by in silico analysis. Based on the majority of available evidence to date, this variant is likely to be pathogenic.

Garcia Pulmonary Genetics Research Laboratory, Columbia University Irving Medical Center
Classification: Likely risk allele for Pulmonary fibrosis. Last evaluated: 2022-06-09. Review status: no assertion criteria provided. Collection method: research. Allele origin: germline. Affected: yes. Not counted in ClinVar's aggregate classification.
Comment: Leukocyte telomere length (by qPCR) less than 10th percentile age-adjusted

OMIM
Classification: Pathogenic for PULMONARY FIBROSIS AND/OR BONE MARROW FAILURE SYNDROME, TELOMERE-RELATED, 1. Last evaluated: 2005-04-07. Review status: no assertion criteria provided. Collection method: literature only. Allele origin: germline. Not counted in ClinVar's aggregate classification.

GeneReviews
No classification provided. Condition: Aplastic anemia. Review status: no classification provided. Collection method: literature only. Allele origin: unknown. Not counted in ClinVar's aggregate classification.

Literature cited by the submitters: PubMed 18635888 (cited by Women's Health and Genetics/Laboratory Corporation of America, LabCorp and Labcorp Genetics (formerly Invitae), Labcorp); PubMed 23901009 (cited by Women's Health and Genetics/Laboratory Corporation of America, LabCorp and Labcorp Genetics (formerly Invitae), Labcorp); PubMed 36028256 (cited by Women's Health and Genetics/Laboratory Corporation of America, LabCorp); PubMed 39279213 (cited by Women's Health and Genetics/Laboratory Corporation of America, LabCorp); PubMed 15814878 (cited by 3 submitters); PubMed 20301779 (cited by GeneReviews); NCBI Bookshelf NBK22301 (cited by GeneReviews).